The following is an entry in ClinVar:

NM_005726.6(TSFM):c.814G>C (p.Asp272His)

Gene: TSFM (Ts translation elongation factor, mitochondrial; plus strand). Cytogenetic location: 12q14.1.
Variant type: single nucleotide variant.
Coding change: c.814G>C on transcript NM_005726.6 (MANE Select); coding-DNA position 814, G replaced by C.
Protein change: p.Asp272His; replaces aspartic acid 272 with histidine.
Molecular consequence: missense variant. On other transcripts: 3 prime UTR variant (1), intron variant (1).
Genome position (GRCh38, 1-based): chr12:57,796,419, G>C. VCF-style: chr12-57796419-G-C. GRCh37 (hg19) VCF-style: chr12-58190202-G-C.
Other names: c.*222G>C (NM_001172695.2); c.877G>C, p.Asp293His (NM_001172696.2); c.571+3346G>C (NM_001172697.2); short protein forms D293H, D272H.
Identifiers: ClinVar variation 310019 (VCV000310019.14), dbSNP rs138911653, ClinGen allele CA6659455.
Genomic context (GRCh38, chr12:57,796,419, plus strand): 5'-GTTGGCCGCCGCCTTGGGCAGCATGTGGTGGGCATGGCCCCCCTCTCTGTTGGCTCCCTG[G>C]ACGATGAGCCTGGGGGAGAGGCAGAGACTAAGATGCTGTCCCAGCCGTATTTGCTGGATC-3'
Protein context (NP_005717.3, residues 262-282): GMAPLSVGSL[Asp272His]DEPGGEAETK

ClinVar aggregate classification (germline): Uncertain significance. Review status: criteria provided, multiple submitters, no conflicts (2 of 4 stars). 7 submissions from 7 submitters: Uncertain significance (6). 1 of the submissions does not count toward it. Last evaluated 2025-07-01.

Conditions:
Inborn genetic diseases. Identifiers: MedGen C0950123, MeSH D030342.
Fatal mitochondrial disease due to combined oxidative phosphorylation defect type 3. Also called: Combined oxidative phosphorylation deficiency 3; ENCEPHALOMYOPATHY, RESPIRATORY FAILURE, AND LACTIC ACIDOSIS. Identifiers: Orphanet 168566, MedGen C1864840, MONDO:0012512, OMIM 610505.

Allele frequency attached by ClinVar (database versions not stated): 1000 Genomes Project 30x 0.00016; 1000 Genomes Project 0.00020; TOPMed 0.00022; ESP Exome Variant Server 0.00023; gnomAD 0.00029 and 0.00030; gnomAD exomes 0.00029 and 0.00030; ExAC 0.00037.

Submissions (7):

Ambry Genetics
Classification: Uncertain significance for Inborn genetic diseases. Last evaluated: 2025-07-01. Review status: criteria provided, single submitter. Criteria: Ambry Variant Classification Scheme 2023. Collection method: clinical testing. Allele origin: germline.

Blueprint Genetics
Classification: Uncertain significance. Last evaluated: 2024-11-25. Review status: criteria provided, single submitter. Criteria: ACMG Guidelines, 2015. Collection method: clinical testing. Allele origin: germline.

Labcorp Genetics (formerly Invitae), Labcorp
Classification: Uncertain significance. Last evaluated: 2022-09-13. Review status: criteria provided, single submitter. Criteria: Invitae Variant Classification Sherloc (09022015). Collection method: clinical testing. Allele origin: germline.
Comment: This sequence change replaces aspartic acid, which is acidic and polar, with histidine, which is basic and polar, at codon 293 of the TSFM protein (p.Asp293His). This variant is present in population databases (rs138911653, gnomAD 0.2%). This variant has not been reported in the literature in individuals affected with TSFM-related conditions. ClinVar contains an entry for this variant (Variation ID: 310019). Advanced modeling of protein sequence and biophysical properties (such as structural, functional, and spatial information, amino acid conservation, physicochemical variation, residue mobility, and thermodynamic stability) performed at Invitae indicates that this missense variant is not expected to disrupt TSFM protein function. In summary, the available evidence is currently insufficient to determine the role of this variant in disease. Therefore, it has been classified as a Variant of Uncertain Significance.

Department of Pathology and Laboratory Medicine, Sinai Health System
Classification: Uncertain significance for Fatal mitochondrial disease due to combined oxidative phosphorylation defect type 3. Last evaluated: 2022-05-17. Review status: criteria provided, single submitter. Criteria: ACMG Guidelines, 2015. Collection method: research. Allele origin: germline.

GeneDx
Classification: Uncertain significance. Last evaluated: 2020-06-24. Review status: criteria provided, single submitter. Criteria: GeneDx Variant Classification Process June 2021. Collection method: clinical testing. Allele origin: germline. Affected: yes.
Comment: In silico analysis supports that this missense variant has a deleterious effect on protein structure/function; Has not been previously published as pathogenic or benign to our knowledge

Illumina Laboratory Services, Illumina
Classification: Uncertain significance for Fatal mitochondrial disease due to combined oxidative phosphorylation defect type 3. Last evaluated: 2018-01-13. Review status: criteria provided, single submitter. Criteria: ICSL Variant Classification Criteria 13 December 2019. Collection method: clinical testing. Allele origin: germline.

Natera, Inc.
Classification: Uncertain significance for Combined oxidative phosphorylation deficiency 3. Last evaluated: 2019-11-11. Review status: no assertion criteria provided. Collection method: clinical testing. Allele origin: germline. Not counted in ClinVar's aggregate classification.